The following is an entry in ClinVar:

ClinVar aggregate classification (germline): Uncertain significance. Review status: criteria provided, multiple submitters, no conflicts (2 of 4 stars). 2 submissions from 2 submitters: Uncertain significance (2). Last evaluated 2025-08-12.

Conditions:
Inborn genetic diseases. Identifiers: MedGen C0950123, MeSH D030342.

Submissions (2):

Ambry Genetics
Classification: Uncertain significance for Inborn genetic diseases. Last evaluated: 2025-08-12. Review status: criteria provided, single submitter. Criteria: Ambry Variant Classification Scheme 2023. Collection method: clinical testing. Allele origin: germline.

GeneDx
Classification: Uncertain significance. Last evaluated: 2023-07-02. Review status: criteria provided, single submitter. Criteria: GeneDx Variant Classification Process June 2021. Collection method: clinical testing. Allele origin: germline. Affected: yes.
Comment: In silico analysis supports that this missense variant does not alter protein structure/function; Has not been previously published as pathogenic or benign to our knowledge

NM_001206744.2(TPO):c.2287G>A (p.Val763Met)

Genes: LALTOP (lung cancer associated lncRNA targeting TOP2A; minus strand), TPO (thyroid peroxidase; plus strand). Cytogenetic location: 2p25.3.
Variant type: single nucleotide variant.
Coding change: c.2287G>A on transcript NM_001206744.2 (MANE Select); coding-DNA position 2287, G replaced by A.
Protein change: p.Val763Met; replaces valine 763 with methionine.
Molecular consequence: missense variant.
Genome position (GRCh38, 1-based): chr2:1,496,666, G>A. VCF-style: chr2-1496666-G-A. GRCh37 (hg19) VCF-style: chr2-1500438-G-A.
Other names: c.2287G>A, p.Val763Met (NM_000547.6, NM_175721.3); c.2116G>A, p.Val706Met (NM_001206745.2, NM_175719.4); c.1768G>A, p.Val590Met (NM_175722.3); short protein forms V590M, V706M, V763M.
Identifiers: ClinVar variation 3360570 (VCV003360570.2).